The following is an entry in ClinVar:

ClinVar aggregate classification (germline): Uncertain significance. Review status: criteria provided, multiple submitters, no conflicts (2 of 4 stars). 2 submissions from 2 submitters: Uncertain significance (2). Last evaluated 2025-11-03.

Conditions:
Hereditary spastic paraplegia 63. Also called: Spastic paraplegia 63, autosomal recessive. Identifiers: Orphanet 401805, MedGen C3810295, MONDO:0014305, OMIM 615686.
Pontocerebellar hypoplasia type 9. Identifiers: Orphanet 369920, MedGen C4014354, MONDO:0014351, OMIM 615809.
Inborn genetic diseases. Identifiers: MedGen C0950123, MeSH D030342.

gnomAD v4.1: 26 of 1,613,038 alleles (0.0016%); highest among the groups gnomAD compares: South Asian, 0.011%; no homozygotes.

Submissions (2):

Ambry Genetics
Classification: Uncertain significance for Inborn genetic diseases. Last evaluated: 2025-11-03. Review status: criteria provided, single submitter. Criteria: Ambry Variant Classification Scheme 2023. Collection method: clinical testing. Allele origin: germline.

Labcorp Genetics (formerly Invitae), Labcorp
Classification: Uncertain significance for Pontocerebellar hypoplasia type 9; Hereditary spastic paraplegia 63. Last evaluated: 2022-03-24. Review status: criteria provided, single submitter. Criteria: Invitae Variant Classification Sherloc (09022015). Collection method: clinical testing. Allele origin: germline.
Comment: In summary, the available evidence is currently insufficient to determine the role of this variant in disease. Therefore, it has been classified as a Variant of Uncertain Significance. This sequence change replaces aspartic acid, which is acidic and polar, with asparagine, which is neutral and polar, at codon 288 of the AMPD2 protein (p.Asp288Asn). This variant is present in population databases (rs554958089, gnomAD 0.009%). This variant has not been reported in the literature in individuals affected with AMPD2-related conditions. Algorithms developed to predict the effect of missense changes on protein structure and function (SIFT, PolyPhen-2, Align-GVGD) all suggest that this variant is likely to be tolerated.

NM_001368809.2(AMPD2):c.700G>A (p.Asp234Asn)

Gene: AMPD2 (adenosine monophosphate deaminase 2; plus strand). Cytogenetic location: 1p13.3.
Variant type: single nucleotide variant.
Coding change: c.700G>A on transcript NM_001368809.2 (MANE Select); coding-DNA position 700, G replaced by A.
Protein change: p.Asp234Asn; replaces aspartic acid 234 with asparagine.
Molecular consequence: missense variant.
Genome position (GRCh38, 1-based): chr1:109,626,894, G>A. VCF-style: chr1-109626894-G-A. GRCh37 (hg19) VCF-style: chr1-110169516-G-A.
Other names: c.862G>A, p.Asp288Asn (NM_001257360.2); c.508G>A, p.Asp170Asn (NM_001257361.2); c.637G>A, p.Asp213Asn (NM_001308170.1); c.700G>A, p.Asp234Asn (NM_004037.9); c.619G>A, p.Asp207Asn (NM_139156.4); c.862G>A (NM_004037.6); short protein forms D234N, D170N, D207N, D213N, D288N.
Identifiers: ClinVar variation 2053546 (VCV002053546.5), dbSNP rs554958089, ClinGen allele CA992872.